The following is an entry in ClinVar:

ClinVar aggregate classification (germline): Benign. Review status: criteria provided, multiple submitters, no conflicts (2 of 4 stars). 2 submissions from 2 submitters: Benign (2). Last evaluated 2018-01-12.

Conditions:
Immunodeficiency, common variable, 1. Also called: ANTIBODY DEFICIENCY DUE TO ICOS DEFECT. Identifiers: Orphanet 1572, Orphanet 695183, MedGen C3149378, MONDO:0011864, OMIM 607594.

Allele frequency attached by ClinVar (database versions not stated): gnomAD 0.08229 and 0.08163; 1000 Genomes Project 30x 0.06543; TOPMed 0.07973; 1000 Genomes Project 0.06310.

Submissions (2):

Illumina Laboratory Services, Illumina
Classification: Benign for Immunodeficiency, common variable, 1. Last evaluated: 2018-01-12. Review status: criteria provided, single submitter. Criteria: ICSL Variant Classification Criteria 13 December 2019. Collection method: clinical testing. Allele origin: germline.
Comment: This variant was observed in the ICSL laboratory as part of a predisposition screen in an ostensibly healthy population. It had not been previously curated by ICSL or reported in the Human Gene Mutation Database (HGMD: prior to June 1st, 2018), and was therefore a candidate for classification through an automated scoring system. Utilizing variant allele frequency, disease prevalence and penetrance estimates, and inheritance mode, an automated score was calculated to assess if this variant is too frequent to cause the disease. Based on the score and internal cut-off values, a variant classified as benign is not then subjected to further curation. The score for this variant resulted in a classification of benign for this disease.

Breakthrough Genomics
Classification: Benign. Review status: criteria provided, single submitter. Criteria: ACMG Guidelines, 2015. Collection method: not provided. Allele origin: germline. Inheritance: Autosomal recessive inheritance. Affected: yes.

NM_012092.4(ICOS):c.*1262A>G

Gene: ICOS (inducible T cell costimulator; plus strand). Cytogenetic location: 2q33.2.
Variant type: single nucleotide variant.
Coding change: c.*1262A>G on transcript NM_012092.4 (MANE Select); 1262 bases downstream of the stop codon, A replaced by G.
Molecular consequence: 3 prime UTR variant.
Genome position (GRCh38, 1-based): chr2:203,960,861, A>G. VCF-style: chr2-203960861-A-G. GRCh37 (hg19) VCF-style: chr2-204825584-A-G.
Identifiers: ClinVar variation 333757 (VCV000333757.6), dbSNP rs10932038, ClinGen allele CA10612134.